The following is an entry in ClinVar:

ClinVar aggregate classification (germline): Benign. Review status: criteria provided, multiple submitters, no conflicts (2 of 4 stars). 4 submissions from 4 submitters: Benign (3). 1 of the submissions does not count toward it. Last evaluated 2026-02-01.

Conditions:
UNC45A-related disorder. Also called: UNC45A-related condition.

Allele frequency attached by ClinVar (database versions not stated): ExAC 0.02944; gnomAD exomes 0.00585 and 0.01464; ESP Exome Variant Server 0.06216; gnomAD 0.06451 and 0.06010; 1000 Genomes Project 0.06709; TOPMed 0.06915; 1000 Genomes Project 30x 0.07214.
gnomAD v4.1: 17,745 of 1,551,670 alleles (1.1%); highest among the groups gnomAD compares: African/African-American, 21%; 1,689 homozygotes.

Submissions (4):

Labcorp Genetics (formerly Invitae), Labcorp
Classification: Benign. Last evaluated: 2026-02-01. Review status: criteria provided, single submitter. Criteria: Invitae Variant Classification Sherloc (09022015). Collection method: clinical testing. Allele origin: germline.

Mayo Clinic Laboratories, Mayo Clinic
Classification: Benign. Last evaluated: 2024-03-21. Review status: criteria provided, single submitter. Criteria: ACMG Guidelines, 2015. Collection method: clinical testing. Allele origin: germline. Observed: 6 variant alleles.

Breakthrough Genomics
Classification: Benign. Review status: criteria provided, single submitter. Criteria: ACMG Guidelines, 2015. Collection method: not provided. Allele origin: germline. Inheritance: Autosomal recessive inheritance. Affected: yes.

PreventionGenetics, part of Exact Sciences
Classification: Benign for UNC45A-related condition. Last evaluated: 2019-07-14. Review status: no assertion criteria provided. Collection method: clinical testing. Allele origin: germline. Not counted in ClinVar's aggregate classification.
Comment: This variant is classified as benign based on ACMG/AMP sequence variant interpretation guidelines (Richards et al. 2015 PMID: 25741868, with internal and published modifications).

NM_018671.5(UNC45A):c.2163G>A (p.Pro721=)

Gene: UNC45A (unc-45 myosin chaperone A; plus strand). Cytogenetic location: 15q26.1.
Variant type: single nucleotide variant.
Coding change: c.2163G>A on transcript NM_018671.5 (MANE Select); coding-DNA position 2163, G replaced by A.
Protein change: p.Pro721=; no amino-acid change (proline 721 retained).
Molecular consequence: synonymous variant.
Genome position (GRCh38, 1-based): chr15:90,950,243, G>A. VCF-style: chr15-90950243-G-A. GRCh37 (hg19) VCF-style: chr15-91493473-G-A.
Other names: p.Pro721=; c.2118G>A, p.Pro706= (NM_001039675.2, NM_001323621.2); c.2163G>A, p.Pro721= (NM_001323619.1); c.1728G>A, p.Pro576= (NM_001323620.2).
Identifiers: ClinVar variation 1167287 (VCV001167287.13), dbSNP rs16945050, ClinGen allele CA7743194.